The following is an entry in ClinVar:

NM_006282.5(STK4):c.599G>A (p.Gly200Glu)

Gene: STK4 (serine/threonine kinase 4; plus strand). Cytogenetic location: 20q13.12.
Variant type: single nucleotide variant.
Coding change: c.599G>A on transcript NM_006282.5 (MANE Select); coding-DNA position 599, G replaced by A.
Protein change: p.Gly200Glu; replaces glycine 200 with glutamic acid.
Molecular consequence: missense variant.
Genome position (GRCh38, 1-based): chr20:44,995,163, G>A. VCF-style: chr20-44995163-G-A. GRCh37 (hg19) VCF-style: chr20-43623804-G-A.
Other names: c.599G>A, p.Gly200Glu (NM_001352385.2); short protein forms G200E.
Identifiers: ClinVar variation 1475217 (VCV001475217.8), dbSNP rs2145683538, ClinGen allele CA409124674.
Genomic context (GRCh38, chr20:44,995,163, plus strand): 5'-AGCGGAATACAGTGATAGGAACACCATTTTGGATGGCTCCAGAAGTGATTCAGGAAATTG[G>A]ATACAACTGTGTAGCAGACATCTGGTCCCTGGGAATAACTGCCATAGAAATGGCTGAAGG-3'
Protein context (NP_006273.1, residues 190-210): WMAPEVIQEI[Gly200Glu]YNCVADIWSL

ClinVar aggregate classification (germline): Uncertain significance (1 of 4 stars; one submission).

Conditions:
Combined immunodeficiency due to STK4 deficiency (IMD110). Also called: T-cell immunodeficiency, recurrent infections, and autoimmunity with or without cardiac malformations; STK4 DEFICIENCY; MST1 DEFICIENCY. Identifiers: Orphanet 314689, MedGen C3553943, MONDO:0013934, OMIM 614868.

Submission:

Labcorp Genetics (formerly Invitae), Labcorp
Classification: Uncertain significance for Combined immunodeficiency due to STK4 deficiency. Last evaluated: 2022-02-04. Review status: criteria provided, single submitter. Criteria: Invitae Variant Classification Sherloc (09022015). Collection method: clinical testing. Allele origin: germline.
Comment: In summary, the available evidence is currently insufficient to determine the role of this variant in disease. Therefore, it has been classified as a Variant of Uncertain Significance. Advanced modeling of protein sequence and biophysical properties (such as structural, functional, and spatial information, amino acid conservation, physicochemical variation, residue mobility, and thermodynamic stability) performed at Invitae indicates that this missense variant is not expected to disrupt STK4 protein function. This variant has not been reported in the literature in individuals affected with STK4-related conditions. This variant is not present in population databases (gnomAD no frequency). This sequence change replaces glycine, which is neutral and non-polar, with glutamic acid, which is acidic and polar, at codon 200 of the STK4 protein (p.Gly200Glu).